The following is an entry in ClinVar:

ClinVar aggregate classification (germline): Benign (1 of 4 stars; one submission).

Submission:

GeneDx
Classification: Benign. Last evaluated: 2018-06-14. Review status: criteria provided, single submitter. Criteria: GeneDx Variant Classification (06012015). Collection method: clinical testing. Allele origin: germline. Affected: yes.
Comment: This variant is considered likely benign or benign based on one or more of the following criteria: it is a conservative change, it occurs at a poorly conserved position in the protein, it is predicted to be benign by multiple in silico algorithms, and/or has population frequency not consistent with disease.

NM_004006.3(DMD):c.9564-298_9564-297dup

Gene: DMD (dystrophin; minus strand). Cytogenetic location: Xp21.2.
Variant type: Duplication.
Coding change: c.9564-298_9564-297dup on transcript NM_004006.3 (MANE Select); 298 bases into the intron before coding-DNA position 9564 through 297 bases into the intron before coding-DNA position 9564, 2 bases duplicated (TT; older notation c.9564-298_9564-297dupTT).
Molecular consequence: intron variant.
Genome position (GRCh38, 1-based): chrX:31,206,964-31,206,965, AA duplicated on the plus strand (TT on the coding strand, the reverse complement: DMD is on the minus strand); duplicating any 2 consecutive bases within chrX:31,206,964-31,206,972 gives the same sequence; the c. name uses the placement nearest the transcript's 3' end. VCF-style (leftmost placement, unchanged base first): chrX-31206963-G-GAA. GRCh37 (hg19) VCF-style: chrX-31225080-G-GAA.
Other names: c.9564-297_9564-296insTT (NM_004006.2); c.9540-298_9540-297dup (NM_000109.4); c.5541-298_5541-297dup (NM_004011.4); c.5532-298_5532-297dup (NM_004012.4); c.2184-298_2184-297dup (NM_004023.3, NM_004020.4, NM_004022.3 and 2 more transcripts); c.1377-298_1377-297dup (NM_004014.3); c.360-298_360-297dup (NM_004018.3, NM_004017.3, NM_004016.3 and 2 more transcripts); c.9552-298_9552-297dup (NM_004009.3); and 1 more.
Identifiers: ClinVar variation 678473 (VCV000678473.1), dbSNP rs60304693, ClinGen allele CA328407940.